The following is an entry in ClinVar:

ClinVar aggregate classification (germline): Uncertain significance. Review status: criteria provided, multiple submitters, no conflicts (2 of 4 stars). 3 submissions from 3 submitters: Uncertain significance (3). Last evaluated 2023-04-11.

Conditions:
Hereditary cancer-predisposing syndrome. Also called: Neoplastic Syndromes, Hereditary; Hereditary Cancer Syndrome; Hereditary neoplastic syndrome; Tumor predisposition. Identifiers: Orphanet 140162, MedGen C0027672, MeSH D009386, MONDO:0015356.
Cardiovascular phenotype. Identifiers: MedGen CN230736.
Neurofibromatosis, type 1 (NF1). Also called: Neurofibromatosis, type I; Peripheral type neurofibromatosis; VON RECKLINGHAUSEN DISEASE; NEUROFIBROMATOSIS, TYPE I, SOMATIC. Identifiers: Orphanet 636, MedGen C0027831, MONDO:0018975, OMIM 162200. Disease mechanism: loss of function.

Submissions (3):

Ambry Genetics
Classification: Uncertain significance for Cardiovascular phenotype; Hereditary cancer-predisposing syndrome. Last evaluated: 2023-04-11. Review status: criteria provided, single submitter. Criteria: Ambry Variant Classification Scheme 2023. Collection method: clinical testing. Allele origin: germline.
Comment: The p.P1411S variant (also known as c.4231C>T), located in coding exon 31 of the NF1 gene, results from a C to T substitution at nucleotide position 4231. The proline at codon 1411 is replaced by serine, an amino acid with similar properties. This amino acid position is not well conserved in available vertebrate species. In addition, this alteration is predicted to be tolerated by in silico analysis. Since supporting evidence is limited at this time, the clinical significance of this alteration remains unclear.

Genome-Nilou Lab
Classification: Uncertain significance for Neurofibromatosis, type 1. Last evaluated: 2022-03-15. Review status: criteria provided, single submitter. Criteria: ACMG Guidelines, 2015. Collection method: clinical testing. Allele origin: germline. Affected: no.

Labcorp Genetics (formerly Invitae), Labcorp
Classification: Uncertain significance for Neurofibromatosis, type 1. Last evaluated: 2021-06-22. Review status: criteria provided, single submitter. Criteria: Invitae Variant Classification Sherloc (09022015). Collection method: clinical testing. Allele origin: germline.
Comment: In summary, the available evidence is currently insufficient to determine the role of this variant in disease. Therefore, it has been classified as a Variant of Uncertain Significance. Advanced modeling of protein sequence and biophysical properties (such as structural, functional, and spatial information, amino acid conservation, physicochemical variation, residue mobility, and thermodynamic stability) performed at Invitae indicates that this missense variant is not expected to disrupt NF1 protein function. This variant has not been reported in the literature in individuals with NF1-related conditions. ClinVar contains an entry for this variant (Variation ID: 824699). This variant is not present in population databases (ExAC no frequency). This sequence change replaces proline with serine at codon 1411 of the NF1 protein (p.Pro1411Ser). The proline residue is moderately conserved and there is a moderate physicochemical difference between proline and serine.

NM_001042492.3(NF1):c.4294C>T (p.Pro1432Ser)

Gene: NF1 (neurofibromin 1; plus strand). Cytogenetic location: 17q11.2.
Variant type: single nucleotide variant.
Coding change: c.4294C>T on transcript NM_001042492.3 (MANE Select); coding-DNA position 4294, C replaced by T.
Protein change: p.Pro1432Ser; replaces proline 1432 with serine.
Molecular consequence: missense variant.
Genome position (GRCh38, 1-based): chr17:31,258,464, C>T. VCF-style: chr17-31258464-C-T. GRCh37 (hg19) VCF-style: chr17-29585482-C-T.
Other names: c.4231C>T, p.Pro1411Ser (NM_000267.4); short protein forms P1411S, P1432S.
Identifiers: ClinVar variation 824699 (VCV000824699.12), dbSNP rs1597744750, ClinGen allele CA398998046.